The following is an entry in ClinVar:

ClinVar aggregate classification (germline): Likely benign (0 of 4 stars; one submission).

Conditions:
ITPR3-related disorder. Also called: ITPR3-related condition.

Allele frequency attached by ClinVar (database versions not stated): TOPMed 0.00005; gnomAD 0.00009.
gnomAD v4.1: 146 of 1,613,984 alleles (0.009%); highest among the groups gnomAD compares: East Asian, 0.091%; 1 homozygote.

Submission:

PreventionGenetics, part of Exact Sciences
Classification: Likely benign for ITPR3-related condition. Last evaluated: 2019-04-01. Review status: no assertion criteria provided. Collection method: clinical testing. Allele origin: germline.
Comment: This variant is classified as likely benign based on ACMG/AMP sequence variant interpretation guidelines (Richards et al. 2015 PMID: 25741868, with internal and published modifications).

NM_002224.4(ITPR3):c.1380C>T (p.Asn460=)

Gene: ITPR3 (inositol 1,4,5-trisphosphate receptor type 3; plus strand). Cytogenetic location: 6p21.31.
Variant type: single nucleotide variant.
Coding change: c.1380C>T on transcript NM_002224.4 (MANE Select); coding-DNA position 1380, C replaced by T.
Protein change: p.Asn460=; no amino-acid change (asparagine 460 retained).
Molecular consequence: synonymous variant.
Genome position (GRCh38, 1-based): chr6:33,665,184, C>T. VCF-style: chr6-33665184-C-T. GRCh37 (hg19) VCF-style: chr6-33632961-C-T.
Identifiers: ClinVar variation 3050443 (VCV003050443.2), dbSNP rs780808015, ClinGen allele CA3760242.